The following is an entry in ClinVar:

ClinVar aggregate classification (germline): Pathogenic (1 of 4 stars; one submission).

Conditions:
EPILEPSY, CHILDHOOD ABSENCE, SUSCEPTIBILITY TO, 2 (ECA2). Identifiers: Orphanet 64280, MedGen C1843244, OMIM 607681.
Febrile seizures, familial, 8 (FEB8). Also called: CONVULSIONS, FAMILIAL FEBRILE, 8. Identifiers: Orphanet 36387, MedGen C1969810, MONDO:0011891, OMIM 607681.

Submission:

Labcorp Genetics (formerly Invitae), Labcorp
Classification: Pathogenic for Febrile seizures, familial, 8; EPILEPSY, CHILDHOOD ABSENCE, SUSCEPTIBILITY TO, 2. Last evaluated: 2023-04-26. Review status: criteria provided, single submitter. Criteria: Invitae Variant Classification Sherloc (09022015). Collection method: clinical testing. Allele origin: germline.
Comment: For these reasons, this variant has been classified as Pathogenic. This variant has not been reported in the literature in individuals affected with GABRG2-related conditions. This variant is not present in population databases (gnomAD no frequency). This sequence change creates a premature translational stop signal (p.Lys60*) in the GABRG2 gene. It is expected to result in an absent or disrupted protein product. Loss-of-function variants in GABRG2 are known to be pathogenic (PMID: 22539854, 22750526, 24407264).

Literature cited by the submitters: PubMed 22539854; PubMed 22750526; PubMed 24407264.

NM_198904.4(GABRG2):c.178A>T (p.Lys60Ter)

Gene: GABRG2 (gamma-aminobutyric acid type A receptor subunit gamma2; plus strand). Cytogenetic location: 5q34.
Variant type: single nucleotide variant.
Coding change: c.178A>T on transcript NM_198904.4 (MANE Select); coding-DNA position 178, A replaced by T.
Protein change: p.Lys60Ter; replaces lysine 60 with a stop codon.
Molecular consequence: nonsense. On other transcripts: 5 prime UTR variant (3).
Genome position (GRCh38, 1-based): chr5:162,093,898, A>T. VCF-style: chr5-162093898-A-T. GRCh37 (hg19) VCF-style: chr5-161520904-A-T.
Other names: c.178A>T, p.Lys60Ter (NM_000816.3, NM_001375340.1, NM_001375341.1 and 4 more transcripts); c.169A>T, p.Lys57Ter (NM_001375339.1); c.112A>T, p.Lys38Ter (NM_001375345.1, NM_001375346.1); c.91A>T, p.Lys31Ter (NM_001375347.1); c.-181A>T (NM_001375348.1, NM_001375350.1); c.-108A>T (NM_001375349.1); short protein forms K60*, K31*, K38*, K57*.
Identifiers: ClinVar variation 2947146 (VCV002947146.3), dbSNP rs1760801995, ClinGen allele CA362182988.
Genomic context (GRCh38, chr5:162,093,898, plus strand): 5'-CAGAAATCTGATGATGACTATGAAGATTATGCTTCTAACAAAACATGGGTCTTGACTCCA[A>T]AAGTTCCTGAGGGTGATGTCACTGTCATCTTAAACAACCTGCTGGAAGGATATGACAATA-3'